The following is an entry in ClinVar:

NM_018993.4(RIN2):c.2638C>A (p.Pro880Thr)

Gene: RIN2 (Ras and Rab interactor 2; plus strand). Cytogenetic location: 20p11.23.
Variant type: single nucleotide variant.
Coding change: c.2638C>A on transcript NM_018993.4 (MANE Select); coding-DNA position 2638, C replaced by A.
Protein change: p.Pro880Thr; replaces proline 880 with threonine.
Molecular consequence: missense variant.
Genome position (GRCh38, 1-based): chr20:20,000,886, C>A. VCF-style: chr20-20000886-C-A. GRCh37 (hg19) VCF-style: chr20-19981530-C-A.
Other names: c.2785C>A, p.Pro929Thr (NM_001242581.2); c.2020C>A, p.Pro674Thr (NM_001378238.1); short protein forms P674T, P880T, P929T.
Identifiers: ClinVar variation 2001541 (VCV002001541.4), dbSNP rs2515659890, ClinGen allele CA408367989.
Genomic context (GRCh38, chr20:20,000,886, plus strand): 5'-CTGCACAGCCGACCACAGCCCCACATCTTCCACTTTGTCTACAAACGCATCAAGAACGAT[C>A]CTTATGGCATCATTTTCCAGAACGGGGAAGAAGACCTCACCACCTCCTAGAAGACAGGCG-3'
Protein context (NP_061866.1, residues 870-890): HFVYKRIKND[Pro880Thr]YGIIFQNGEE

ClinVar aggregate classification (germline): Uncertain significance (1 of 4 stars; one submission).

Allele frequency attached by ClinVar (database versions not stated): gnomAD exomes below 0.00001.
gnomAD v4.1: 2 of 1,613,732 alleles (0.00012%); highest among the groups gnomAD compares: Non-Finnish European, 0.00017%; no homozygotes.

Submission:

Labcorp Genetics (formerly Invitae), Labcorp
Classification: Uncertain significance. Last evaluated: 2022-05-31. Review status: criteria provided, single submitter. Criteria: Invitae Variant Classification Sherloc (09022015). Collection method: clinical testing. Allele origin: germline.
Comment: This sequence change replaces proline, which is neutral and non-polar, with threonine, which is neutral and polar, at codon 880 of the RIN2 protein (p.Pro880Thr). This variant is not present in population databases (gnomAD no frequency). This variant has not been reported in the literature in individuals affected with RIN2-related conditions. Algorithms developed to predict the effect of missense changes on protein structure and function are either unavailable or do not agree on the potential impact of this missense change (SIFT: "Tolerated"; PolyPhen-2: "Not Available"; Align-GVGD: "Class C0"). In summary, the available evidence is currently insufficient to determine the role of this variant in disease. Therefore, it has been classified as a Variant of Uncertain Significance.